The following is an entry in ClinVar:

NC_000002.11:g.(?_203424399)_(203424669_?)del

Gene: BMPR2 (bone morphogenetic protein receptor type 2; plus strand). Cytogenetic location: 2q33.2.
Variant type: Deletion.
Identifiers: ClinVar variation 3247134 (VCV003247134.1).

ClinVar aggregate classification (germline): Uncertain significance (1 of 4 stars; one submission).

Conditions:
Primary pulmonary hypertension. Also called: Idiopathic pulmonary hypertension. Identifiers: MedGen C0152171.

Submission:

Labcorp Genetics (formerly Invitae), Labcorp
Classification: Uncertain significance for Primary pulmonary hypertension. Last evaluated: 2023-07-09. Review status: criteria provided, single submitter. Criteria: Invitae Variant Classification Sherloc (09022015). Collection method: clinical testing. Allele origin: unknown.
Comment: In summary, the available evidence is currently insufficient to determine the role of this variant in disease. Therefore, it has been classified as a Variant of Uncertain Significance. This variant disrupts the C-terminus of the BMPR2 protein. Other variant(s) that disrupt this region (p.Trp984Cysfs*50) have been observed in individuals with BMPR2-related conditions (PMID: 31727138). This suggests that this may be a clinically significant region of the protein. This variant has not been reported in the literature in individuals affected with BMPR2-related conditions. This variant is a gross deletion of the genomic region encompassing exon(s) 13 of the BMPR2 gene, which includes the termination codon. This deletion extends beyond the assayed region for this gene and therefore may encompass additional genes. While this deletion is not anticipated to lead to nonsense mediated decay, it is expected to alter mRNA translation or result in a truncated protein product.

Literature cited by the submitters: PubMed 31727138.